The following is an entry in ClinVar:

ClinVar aggregate classification (germline): Uncertain significance (1 of 4 stars; one submission).

Conditions:
Pontocerebellar hypoplasia type 1A (PCH1A). Also called: PONTOCEREBELLAR HYPOPLASIA WITH ANTERIOR HORN CELL DISEASE; PONTOCEREBELLAR HYPOPLASIA WITH INFANTILE SPINAL MUSCULAR ATROPHY. Identifiers: Orphanet 2254, Orphanet 88616, MedGen C1843504, MONDO:0011866, OMIM 607596.

gnomAD v4.1: 9 of 1,613,804 alleles (0.00056%); highest among the groups gnomAD compares: Non-Finnish European, 0.00068%; no homozygotes.

Submission:

Labcorp Genetics (formerly Invitae), Labcorp
Classification: Uncertain significance for Pontocerebellar hypoplasia type 1A. Last evaluated: 2022-08-31. Review status: criteria provided, single submitter. Criteria: Invitae Variant Classification Sherloc (09022015). Collection method: clinical testing. Allele origin: germline.
Comment: This sequence change replaces leucine, which is neutral and non-polar, with proline, which is neutral and non-polar, at codon 247 of the VRK1 protein (p.Leu247Pro). In summary, the available evidence is currently insufficient to determine the role of this variant in disease. Therefore, it has been classified as a Variant of Uncertain Significance. Algorithms developed to predict the effect of missense changes on protein structure and function are either unavailable or do not agree on the potential impact of this missense change (SIFT: "Deleterious"; PolyPhen-2: "Probably Damaging"; Align-GVGD: "Class C0"). ClinVar contains an entry for this variant (Variation ID: 1423963). This variant has not been reported in the literature in individuals affected with VRK1-related conditions. This variant is not present in population databases (gnomAD no frequency).

NM_003384.3(VRK1):c.740T>C (p.Leu247Pro)

Gene: VRK1 (VRK serine/threonine kinase 1; plus strand). Cytogenetic location: 14q32.2.
Variant type: single nucleotide variant.
Coding change: c.740T>C on transcript NM_003384.3 (MANE Select); coding-DNA position 740, T replaced by C.
Protein change: p.Leu247Pro; replaces leucine 247 with proline.
Molecular consequence: missense variant.
Genome position (GRCh38, 1-based): chr14:96,856,160, T>C. VCF-style: chr14-96856160-T-C. GRCh37 (hg19) VCF-style: chr14-97322497-T-C.
Other names: short protein forms L247P.
Identifiers: ClinVar variation 1423963 (VCV001423963.9), dbSNP rs1478722226, ClinGen allele CA390931421.